The following is an entry in ClinVar:

NM_005188.4(CBL):c.2560T>C (p.Ser854Pro)

Gene: CBL (Cbl proto-oncogene; plus strand). Cytogenetic location: 11q23.3.
Variant type: single nucleotide variant.
Coding change: c.2560T>C on transcript NM_005188.4 (MANE Select); coding-DNA position 2560, T replaced by C.
Protein change: p.Ser854Pro; replaces serine 854 with proline.
Molecular consequence: missense variant.
Genome position (GRCh38, 1-based): chr11:119,299,620, T>C. VCF-style: chr11-119299620-T-C. GRCh37 (hg19) VCF-style: chr11-119170330-T-C.
Other names: short protein forms S854P.
Identifiers: ClinVar variation 4219854 (VCV004219854.2).
Genomic context (GRCh38, chr11:119,299,620, plus strand): 5'-GAACGGAAAGCTGGCAGCTGTCAGCAAGGTAGTGGTCCTGCCGCCTCTGCTGCCACCGCC[T>C]CACCTCAGCTCTCCAGTGAGATCGAGAACCTCATGAGTCAGGGGTACTCCTACCAGGACA-3'
Protein context (NP_005179.2, residues 844-864): SGPAASAATA[Ser854Pro]PQLSSEIENL

ClinVar aggregate classification (germline): Uncertain significance. Review status: criteria provided, multiple submitters, no conflicts (2 of 4 stars). 2 submissions from 2 submitters: Uncertain significance (2). Last evaluated 2026-01-01.

Conditions:
RASopathy. Also called: rasopathies; Noonan spectrum disorder. Identifiers: Orphanet 536391, MedGen C5555857, MONDO:0021060.
Cardiovascular phenotype. Identifiers: MedGen CN230736.

Submissions (2):

Labcorp Genetics (formerly Invitae), Labcorp
Classification: Uncertain significance for RASopathy. Last evaluated: 2026-01-01. Review status: criteria provided, single submitter. Criteria: Invitae Variant Classification Sherloc (09022015). Collection method: clinical testing. Allele origin: germline.
Comment: This sequence change replaces serine, which is neutral and polar, with proline, which is neutral and non-polar, at codon 854 of the CBL protein (p.Ser854Pro). This variant is not present in population databases (gnomAD no frequency). This variant has not been reported in the literature in individuals affected with CBL-related conditions. ClinVar contains an entry for this variant (Variation ID: 4219854). Invitae Evidence Modeling of protein sequence and biophysical properties (such as structural, functional, and spatial information, amino acid conservation, physicochemical variation, residue mobility, and thermodynamic stability) indicates that this missense variant is not expected to disrupt CBL protein function with a negative predictive value of 95%. In summary, the available evidence is currently insufficient to determine the role of this variant in disease. Therefore, it has been classified as a Variant of Uncertain Significance.

Ambry Genetics
Classification: Uncertain significance for Cardiovascular phenotype. Last evaluated: 2025-07-07. Review status: criteria provided, single submitter. Criteria: Ambry Variant Classification Scheme 2023. Collection method: clinical testing. Allele origin: germline.
Comment: The p.S854P variant (also known as c.2560T>C), located in coding exon 16 of the CBL gene, results from a T to C substitution at nucleotide position 2560. The serine at codon 854 is replaced by proline, an amino acid with similar properties. This amino acid position is conserved. In addition, this alteration is predicted to be tolerated by in silico analysis. Based on the available evidence, the clinical significance of this variant remains unclear.